The following is an entry in ClinVar:

ClinVar aggregate classification (germline): Uncertain significance (1 of 4 stars; one submission).

Conditions:
Autosomal recessive limb-girdle muscular dystrophy type 2L (LGMDR12). Also called: Limb-Girdle Muscular Dystrophy R12 Anoctamin-5-Related (LGMD-R12); MUSCULAR DYSTROPHY, LIMB-GIRDLE, AUTOSOMAL RECESSIVE 12; Limb-girdle muscular dystrophy, type 2L. Identifiers: Orphanet 206549, MedGen C1969785, MONDO:0012652, OMIM 611307.
Gnathodiaphyseal dysplasia (GDD). Also called: GNATHODIAPHYSEAL SCLEROSIS; OSTEOGENESIS IMPERFECTA WITH UNUSUAL SKELETAL LESIONS. Identifiers: Orphanet 53697, MedGen C1833736, MONDO:0008151, OMIM 166260.

gnomAD v4.1: 14 of 1,610,028 alleles (0.00087%); highest among the groups gnomAD compares: Non-Finnish European, 0.0011%; no homozygotes.

Submission:

Labcorp Genetics (formerly Invitae), Labcorp
Classification: Uncertain significance for Autosomal recessive limb-girdle muscular dystrophy type 2L; Gnathodiaphyseal dysplasia. Last evaluated: 2023-01-17. Review status: criteria provided, single submitter. Criteria: Invitae Variant Classification Sherloc (09022015). Collection method: clinical testing. Allele origin: germline.
Comment: In summary, the available evidence is currently insufficient to determine the role of this variant in disease. Therefore, it has been classified as a Variant of Uncertain Significance. This sequence change replaces aspartic acid, which is acidic and polar, with glutamic acid, which is acidic and polar, at codon 815 of the ANO5 protein (p.Asp815Glu). This variant is present in population databases (rs774160498, gnomAD 0.0009%). This variant has not been reported in the literature in individuals affected with ANO5-related conditions. Advanced modeling of protein sequence and biophysical properties (such as structural, functional, and spatial information, amino acid conservation, physicochemical variation, residue mobility, and thermodynamic stability) performed at Invitae indicates that this missense variant is not expected to disrupt ANO5 protein function.

NM_213599.3(ANO5):c.2445C>G (p.Asp815Glu)

Gene: ANO5 (anoctamin 5; plus strand). Cytogenetic location: 11p14.3.
Variant type: single nucleotide variant.
Coding change: c.2445C>G on transcript NM_213599.3 (MANE Select); coding-DNA position 2445, C replaced by G.
Protein change: p.Asp815Glu; replaces aspartic acid 815 with glutamic acid.
Molecular consequence: missense variant.
Genome position (GRCh38, 1-based): chr11:22,276,124, C>G. VCF-style: chr11-22276124-C-G. GRCh37 (hg19) VCF-style: chr11-22297670-C-G.
Other names: c.2442C>G, p.Asp814Glu (NM_001142649.2); c.2403C>G, p.Asp801Glu (NM_001410963.1); c.2400C>G, p.Asp800Glu (NM_001410964.1); short protein forms D801E, D814E, D800E, D815E.
Identifiers: ClinVar variation 2924108 (VCV002924108.3), dbSNP rs774160498, ClinGen allele CA5923585.
Genomic context (GRCh38, chr11:22,276,124, plus strand): 5'-TTTTTTTTTGCATTTACTTCCACTTTTCAGGTACAGAGATTACAGATATCCTCCTGATGA[C>G]GAGAATAAATATTTTCATAATATGCAATTCTGGCATGTCCTTGCTGCCAAGATGACCTTC-3'
Protein context (NP_998764.1, residues 805-825): RYRDYRYPPD[Asp815Glu]ENKYFHNMQF